The following is an entry in ClinVar:

NM_003334.4(UBA1):c.762G>C (p.Gln254His)

Gene: UBA1 (ubiquitin like modifier activating enzyme 1; plus strand). Cytogenetic location: Xp11.3.
Variant type: single nucleotide variant.
Coding change: c.762G>C on transcript NM_003334.4 (MANE Select); coding-DNA position 762, G replaced by C.
Protein change: p.Gln254His; replaces glutamine 254 with histidine.
Molecular consequence: missense variant.
Genome position (GRCh38, 1-based): chrX:47,201,561, G>C. VCF-style: chrX-47201561-G-C. GRCh37 (hg19) VCF-style: chrX-47060960-G-C.
Other names: c.762G>C, p.Gln254His (NM_153280.3); c.762G>C (NM_003334.3); short protein forms Q254H.
Identifiers: ClinVar variation 3624980 (VCV003624980.3).
Genomic context (GRCh38, chrX:47,201,561, plus strand): 5'-CCTGGATGAGGCCCGACACGGGTTTGAGAGCGGGGACTTTGTCTCCTTTTCAGAAGTACA[G>C]GGCATGGTTGAACTCAACGGAAATCAGCCCATGGAGATCAAAGTCCTGGGTGAGCTGCGA-3'
Protein context (NP_003325.2, residues 244-264): SGDFVSFSEV[Gln254His]GMVELNGNQP

ClinVar aggregate classification (germline): Uncertain significance. Review status: criteria provided, multiple submitters, no conflicts (2 of 4 stars). 2 submissions from 2 submitters: Uncertain significance (2). Last evaluated 2026-08-04.

Conditions:
Infantile-onset X-linked spinal muscular atrophy. Also called: Spinal muscular atrophy, X-linked 2; AMC, DISTAL, X-LINKED; ARTHROGRYPOSIS, X-LINKED, TYPE I; SPINAL MUSCULAR ATROPHY, X-LINKED LETHAL INFANTILE; Spinal Muscular Atrophy, X-Linked Infantile. Identifiers: Orphanet 1145, MedGen C1844934, MONDO:0010532, OMIM 301830.
Inborn genetic diseases. Identifiers: MedGen C0950123, MeSH D030342.

gnomAD v4.1: 3 of 1,210,395 alleles (0.00025%); highest among the groups gnomAD compares: African/African-American, 0.0052%; no homozygotes.

Submissions (2):

Ambry Genetics
Classification: Uncertain significance for Inborn genetic diseases. Last evaluated: 2026-08-04. Review status: criteria provided, single submitter. Criteria: Ambry Variant Classification Scheme 2023. Collection method: clinical testing. Allele origin: germline.

Labcorp Genetics (formerly Invitae), Labcorp
Classification: Uncertain significance for Infantile-onset X-linked spinal muscular atrophy. Last evaluated: 2024-03-20. Review status: criteria provided, single submitter. Criteria: Invitae Variant Classification Sherloc (09022015). Collection method: clinical testing. Allele origin: germline.
Comment: This sequence change replaces glutamine, which is neutral and polar, with histidine, which is basic and polar, at codon 254 of the UBA1 protein (p.Gln254His). This variant is present in population databases (no rsID available, gnomAD 0.02%), including at least one homozygous and/or hemizygous individual. This variant has not been reported in the literature in individuals affected with UBA1-related conditions. An algorithm developed to predict the effect of missense changes on protein structure and function (PolyPhen-2) suggests that this variant is likely to be tolerated. In summary, the available evidence is currently insufficient to determine the role of this variant in disease. Therefore, it has been classified as a Variant of Uncertain Significance.